The following is an entry in ClinVar:

ClinVar aggregate classification (germline): Uncertain significance. Review status: criteria provided, multiple submitters, no conflicts (2 of 4 stars). 2 submissions from 2 submitters: Uncertain significance (2). Last evaluated 2025-03-17.

Conditions:
Multiple congenital anomalies-hypotonia-seizures syndrome 1 (MCAHS1). Also called: PIGN-CDG; Congenital disorder of glycosylation due to PIGN deficiency; GLYCOSYLPHOSPHATIDYLINOSITOL BIOSYNTHESIS DEFECT 3. Identifiers: Orphanet 280633, MedGen C3279775, MONDO:0013563, OMIM 614080.

Allele frequency attached by ClinVar (database versions not stated): TOPMed 0.00003; ExAC 0.00004; gnomAD 0.00007 and 0.00008.
gnomAD v4.1: 58 of 1,555,662 alleles (0.0037%); highest among the groups gnomAD compares: Non-Finnish European, 0.005%; no homozygotes.

Submissions (2):

GeneDx
Classification: Uncertain significance. Last evaluated: 2025-03-17. Review status: criteria provided, single submitter. Criteria: GeneDx Variant Classification Process June 2021. Collection method: clinical testing. Allele origin: germline. Affected: yes.
Comment: Not observed at significant frequency in large population cohorts (gnomAD); In silico analysis supports that this missense variant has a deleterious effect on protein structure/function; Has not been previously published as pathogenic or benign to our knowledge

Labcorp Genetics (formerly Invitae), Labcorp
Classification: Uncertain significance for Multiple congenital anomalies-hypotonia-seizures syndrome 1. Last evaluated: 2022-11-01. Review status: criteria provided, single submitter. Criteria: Invitae Variant Classification Sherloc (09022015). Collection method: clinical testing. Allele origin: germline.
Comment: This sequence change replaces proline, which is neutral and non-polar, with alanine, which is neutral and non-polar, at codon 606 of the PIGN protein (p.Pro606Ala). This variant is present in population databases (rs776011686, gnomAD 0.01%). This variant has not been reported in the literature in individuals affected with PIGN-related conditions. ClinVar contains an entry for this variant (Variation ID: 539553). Advanced modeling of protein sequence and biophysical properties (such as structural, functional, and spatial information, amino acid conservation, physicochemical variation, residue mobility, and thermodynamic stability) performed at Invitae indicates that this missense variant is expected to disrupt PIGN protein function. In summary, the available evidence is currently insufficient to determine the role of this variant in disease. Therefore, it has been classified as a Variant of Uncertain Significance.

NM_176787.5(PIGN):c.1816C>G (p.Pro606Ala)

Gene: PIGN (phosphatidylinositol glycan anchor biosynthesis class N; minus strand). Cytogenetic location: 18q21.33.
Variant type: single nucleotide variant.
Coding change: c.1816C>G on transcript NM_176787.5 (MANE Select); coding-DNA position 1816, C replaced by G.
Protein change: p.Pro606Ala; replaces proline 606 with alanine.
Molecular consequence: missense variant.
Genome position (GRCh38, 1-based): chr18:62,105,586, G>C on the plus strand (C>G on the coding strand, the complement: PIGN is on the minus strand). VCF-style: chr18-62105586-G-C. GRCh37 (hg19) VCF-style: chr18-59772819-G-C.
Other names: c.1816C>G, p.Pro606Ala (NM_012327.6); short protein forms P606A.
Identifiers: ClinVar variation 539553 (VCV000539553.7), dbSNP rs776011686, ClinGen allele CA8982165.
Genomic context (GRCh38, chr18:62,105,586, plus strand): 5'-TACAATATTATTCATACACTAGAGAGATGTCTGGCTTTCGACCTACAACCGGCATCAGTG[G>C]GAACACTGCCAGGAGCAAAGAGAAGAAAGTCCAACTCAGTGAGGTCATCTAAAATCAAGA-3'
Protein context (NP_789744.1, residues 596-616): TFFSLLLAVF[Pro606Ala]LMPVVGRKPD